The following is an entry in ClinVar:

NM_017791.3(FLVCR2):c.320C>T (p.Ser107Phe)

Genes: FLVCR2 (FLVCR choline and putative heme transporter 2; plus strand), FLVCR2-AS1 (FLVCR2 antisense RNA 1; minus strand). Cytogenetic location: 14q24.3.
Variant type: single nucleotide variant.
Coding change: c.320C>T on transcript NM_017791.3 (MANE Select); coding-DNA position 320, C replaced by T.
Protein change: p.Ser107Phe; replaces serine 107 with phenylalanine.
Molecular consequence: missense variant. On other transcripts: non-coding transcript variant (1).
Genome position (GRCh38, 1-based): chr14:75,579,292, C>T. VCF-style: chr14-75579292-C-T. GRCh37 (hg19) VCF-style: chr14-76045635-C-T.
Other names: short protein forms S107F.
Identifiers: ClinVar variation 4849943 (VCV004849943.1).

ClinVar aggregate classification (germline): Uncertain significance (1 of 4 stars; one submission).

Conditions:
Proliferative vasculopathy and hydranencephaly-hydrocephaly syndrome. Also called: Fowler syndrome; ENCEPHALOCLASTIC PROLIFERATIVE VASCULOPATHY; HYDRANENCEPHALY, FOWLER TYPE; HYDROCEPHALY/HYDRANENCEPHALY DUE TO CEREBRAL VASCULOPATHY. Identifiers: Orphanet 221126, MedGen C1856972, MONDO:0009168, OMIM 225790.

Submission:

Department of Fetal Medicine and Prenatal Diagnosis, Obstetrics and Gynecology Center, Southern Medical University
Classification: Uncertain significance for Proliferative vasculopathy and hydranencephaly-hydrocephaly syndrome. Review status: criteria provided, single submitter. Criteria: ACMG Guidelines, 2015. Collection method: clinical testing. Allele origin: germline. Inheritance: Autosomal recessive inheritance. Affected: yes. Observed: 1 variant allele, 1 compound heterozygote.
Comment: The missense variant c.320C>T (p.Ser107Phe) was not found in gnomAD Browser, ExAC database or 1000 Genome Project. It affects conserved amino residue, and is evaluated as “possibly damaging” by online bioinformatic analysis tools. In summary, this variant was classified as “Uncertain clinical significance” according to the ACMG guidelines (PM2_supporting, PM3, PP3, PP4).

Literature cited by the submitters: PubMed 4555262.